The following is an entry in ClinVar:

ClinVar aggregate classification (germline): Conflicting classifications of pathogenicity. Review status: criteria provided, conflicting classifications (1 of 4 stars). 7 submissions from 7 submitters: Uncertain significance (1); Benign (1); Likely benign (5). Last evaluated 2026-03-28.

Conditions:
RETREG1-related disorder. Also called: RETREG1-related condition.
Inborn genetic diseases. Identifiers: MedGen C0950123, MeSH D030342.
Neuropathy, hereditary sensory and autonomic, type 2B (HSAN2B). Also called: RETREG1-Related HSAN2 (HSAN2B). Identifiers: Orphanet 970, MedGen C2751092, MONDO:0013142, OMIM 613115.

Allele frequency attached by ClinVar (database versions not stated): 1000 Genomes Project 30x 0.00016; 1000 Genomes Project 0.00020; ESP Exome Variant Server 0.00033; TOPMed 0.00037; ExAC 0.00061.
gnomAD v4.1: 790 of 1,613,922 alleles (0.049%); highest among the groups gnomAD compares: South Asian, 0.06%; no homozygotes.

Submissions (7):

PreventionGenetics, part of Exact Sciences
Classification: Likely benign for RETREG1-related condition. Last evaluated: 2026-03-28. Review status: criteria provided, single submitter. Criteria: ACMG Guidelines, 2015. Collection method: clinical testing. Allele origin: germline.
Comment: This variant is classified as likely benign based on ACMG/AMP sequence variant interpretation guidelines (Richards et al. 2015 PMID: 25741868, with internal and published modifications).

Labcorp Genetics (formerly Invitae), Labcorp
Classification: Benign. Last evaluated: 2025-11-03. Review status: criteria provided, single submitter. Criteria: Invitae Variant Classification Sherloc (09022015). Collection method: clinical testing. Allele origin: germline.

Blueprint Genetics
Classification: Likely benign. Last evaluated: 2024-11-11. Review status: criteria provided, single submitter. Criteria: ACMG Guidelines, 2015. Collection method: clinical testing. Allele origin: germline.

CeGaT Center for Human Genetics Tuebingen
Classification: Likely benign. Last evaluated: 2022-07-01. Review status: criteria provided, single submitter. Criteria: CeGaT Center For Human Genetics Tuebingen Variant Classification Criteria Version 2. Collection method: clinical testing. Allele origin: germline. Affected: yes. Observed: 1 variant allele.
Comment: RETREG1: BP4, BP7

GeneDx
Classification: Likely benign. Last evaluated: 2019-08-08. Review status: criteria provided, single submitter. Criteria: GeneDx Variant Classification Process June 2021. Collection method: clinical testing. Allele origin: germline. Affected: yes.

Ambry Genetics
Classification: Likely benign for Inborn genetic diseases. Last evaluated: 2019-07-11. Review status: criteria provided, single submitter. Criteria: Ambry Variant Classification Scheme 2023. Collection method: clinical testing. Allele origin: germline.

Illumina Laboratory Services, Illumina
Classification: Uncertain significance for Neuropathy, hereditary sensory and autonomic, type 2B. Last evaluated: 2018-01-12. Review status: criteria provided, single submitter. Criteria: ICSL Variant Classification Criteria 13 December 2019. Collection method: clinical testing. Allele origin: germline.

NM_001034850.3(RETREG1):c.1089T>C (p.Asp363=)

Gene: RETREG1 (reticulophagy regulator 1; minus strand). Cytogenetic location: 5p15.1.
Variant type: single nucleotide variant.
Coding change: c.1089T>C on transcript NM_001034850.3 (MANE Select); coding-DNA position 1089, T replaced by C.
Protein change: p.Asp363=; no amino-acid change (aspartic acid 363 retained).
Molecular consequence: synonymous variant.
Genome position (GRCh38, 1-based): chr5:16,475,146, A>G on the plus strand (T>C on the coding strand, the complement: RETREG1 is on the minus strand). VCF-style: chr5-16475146-A-G. GRCh37 (hg19) VCF-style: chr5-16475255-A-G.
Other names: c.666T>C, p.Asp222= (NM_019000.5).
Identifiers: ClinVar variation 352686 (VCV000352686.46), dbSNP rs200156015, ClinGen allele CA3210244.